The following is an entry in ClinVar:

ClinVar aggregate classification (germline): Likely pathogenic (1 of 4 stars; one submission).

Submission:

Quest Diagnostics Nichols Institute San Juan Capistrano
Classification: Likely pathogenic. Last evaluated: 2025-10-07. Review status: criteria provided, single submitter. Criteria: Quest Diagnostics criteria. Collection method: clinical testing. Allele origin: unknown.
Comment: The PALB2 c.672_673del (p.Pro225Asnfs*9) variant alters the translational reading frame of the PALB2 mRNA and is predicted to cause the premature termination of PALB2 protein synthesis. This variant has not been reported in individuals with PALB2-related conditions in the published literature. This variant has not been reported in large, multi-ethnic general populations (Genome Aggregation Database). Based on the available information, this variant is classified as likely pathogenic .

NM_024675.4(PALB2):c.672_673del (p.Pro225fs)

Gene: PALB2 (partner and localizer of BRCA2; minus strand). Cytogenetic location: 16p12.2.
Variant type: Deletion.
Coding change: c.672_673del on transcript NM_024675.4 (MANE Select); coding-DNA positions 672 to 673, 2 bases deleted (AC; older notation c.672_673delAC).
Protein change: p.Pro225fs; shifts the reading frame from proline 225.
Molecular consequence: frameshift variant. On other transcripts: 5 prime UTR variant (8), intron variant (3).
Genome position (GRCh38, 1-based): chr16:23,635,873-23,635,874, GT deleted on the plus strand (AC on the coding strand, the reverse complement: PALB2 is on the minus strand); deleting any 2 consecutive bases within chr16:23,635,873-23,635,875 gives the same sequence; the c. name uses the placement nearest the transcript's 3' end. VCF-style (leftmost placement, unchanged base first): chr16-23635872-GGT-G. GRCh37 (hg19) VCF-style: chr16-23647193-GGT-G.
Other names: c.612_613del, p.Pro205fs (NM_001407296.1); c.672_673del, p.Pro225fs (NM_001407297.1, NM_001407298.1, NM_001407299.1 and 3 more transcripts); c.-214_-213del (NM_001407304.1, NM_001407305.1, NM_001407306.1 and 5 more transcripts); c.671_672delCA, p.Pro225Asnfs (NM_024675.3); c.48+5236_48+5237del (NM_001407314.1); c.-105+5236_-105+5237del (NM_001407313.1, NM_001407312.1); short protein forms P205fs, P225fs.
Identifiers: ClinVar variation 4533160 (VCV004533160.1).